The following is an entry in ClinVar:

ClinVar aggregate classification (germline): Uncertain significance (1 of 4 stars; one submission).

gnomAD v4.1: 1 of 1,310,878 alleles (0.000076%); no homozygotes.

Submission:

Labcorp Genetics (formerly Invitae), Labcorp
Classification: Uncertain significance. Last evaluated: 2023-11-06. Review status: criteria provided, single submitter. Criteria: Invitae Variant Classification Sherloc (09022015). Collection method: clinical testing. Allele origin: germline.
Comment: This sequence change replaces glutamine, which is neutral and polar, with glutamic acid, which is acidic and polar, at codon 1194 of the ERCC6L2 protein (p.Gln1194Glu). This variant is not present in population databases (gnomAD no frequency). This variant has not been reported in the literature in individuals affected with ERCC6L2-related conditions. Experimental studies and prediction algorithms are not available or were not evaluated, and the functional significance of this variant is currently unknown. In summary, the available evidence is currently insufficient to determine the role of this variant in disease. Therefore, it has been classified as a Variant of Uncertain Significance.

NM_020207.7(ERCC6L2):c.3547C>G (p.Gln1183Glu)

Gene: ERCC6L2 (ERCC excision repair 6 like 2; plus strand). Cytogenetic location: 9q22.32.
Variant type: single nucleotide variant.
Coding change: c.3547C>G on transcript NM_020207.7 (MANE Select); coding-DNA position 3547, C replaced by G.
Protein change: p.Gln1183Glu; replaces glutamine 1183 with glutamic acid.
Molecular consequence: missense variant. On other transcripts: non-coding transcript variant (1).
Genome position (GRCh38, 1-based): chr9:96,004,574, C>G. VCF-style: chr9-96004574-C-G. GRCh37 (hg19) VCF-style: chr9-98766856-C-G.
Other names: c.3547C>G, p.Gln1183Glu (NM_001375291.1, NM_001375292.1); short protein forms Q1183E.
Identifiers: ClinVar variation 2870036 (VCV002870036.3), dbSNP rs1244005419, ClinGen allele CA466118266.
Genomic context (GRCh38, chr9:96,004,574, plus strand): 5'-TTTCAGACATATAAAGAAAAAGTGGATGCAGATACATTGCCACACACAAAGAAAGGCCAG[C>G]AACCGAGTGAAGGCAGCATTTCACTTCCTCTTTACATTTCAAATCCTGTAAACCAGAAGA-3'
Protein context (NP_064592.3, residues 1173-1193): DTLPHTKKGQ[Gln1183Glu]PSEGSISLPL